The following is an entry in ClinVar:

NM_001261826.3(AP3D1):c.2057C>T (p.Ser686Leu)

Gene: AP3D1 (adaptor related protein complex 3 subunit delta 1; minus strand). Cytogenetic location: 19p13.3.
Variant type: single nucleotide variant.
Coding change: c.2057C>T on transcript NM_001261826.3 (MANE Select); coding-DNA position 2057, C replaced by T.
Protein change: p.Ser686Leu; replaces serine 686 with leucine.
Molecular consequence: missense variant.
Genome position (GRCh38, 1-based): chr19:2,116,223, G>A on the plus strand (C>T on the coding strand, the complement: AP3D1 is on the minus strand). VCF-style: chr19-2116223-G-A. GRCh37 (hg19) VCF-style: chr19-2116222-G-A.
Other names: c.2057C>T, p.Ser686Leu (NM_001374799.1, NM_003938.8); short protein forms S686L.
Identifiers: ClinVar variation 1478618 (VCV001478618.8), dbSNP rs983275660, ClinGen allele CA304156588.

ClinVar aggregate classification (germline): Uncertain significance (1 of 4 stars; one submission).

Allele frequency attached by ClinVar (database versions not stated): gnomAD 0.00001; gnomAD exomes 0.00001; TOPMed 0.00001.
gnomAD v4.1: 11 of 1,614,062 alleles (0.00068%); highest among the groups gnomAD compares: Middle Eastern, 0.016%; no homozygotes.

Submission:

Labcorp Genetics (formerly Invitae), Labcorp
Classification: Uncertain significance. Last evaluated: 2024-04-29. Review status: criteria provided, single submitter. Criteria: Invitae Variant Classification Sherloc (09022015). Collection method: clinical testing. Allele origin: germline.
Comment: This sequence change replaces serine, which is neutral and polar, with leucine, which is neutral and non-polar, at codon 686 of the AP3D1 protein (p.Ser686Leu). This variant is not present in population databases (gnomAD no frequency). This variant has not been reported in the literature in individuals affected with AP3D1-related conditions. ClinVar contains an entry for this variant (Variation ID: 1478618). An algorithm developed to predict the effect of missense changes on protein structure and function (PolyPhen-2) suggests that this variant is likely to be tolerated. In summary, the available evidence is currently insufficient to determine the role of this variant in disease. Therefore, it has been classified as a Variant of Uncertain Significance.